The following is an entry in ClinVar:

ClinVar aggregate classification (germline): Likely benign. Review status: criteria provided, single submitter (1 of 4 stars). 2 submissions from 2 submitters: Likely benign (1). 1 of the submissions does not count toward it. Last evaluated 2018-10-04.

Conditions:
SEMA3E-related disorder. Also called: SEMA3E-related condition.
CHARGE syndrome (CHARGE). Also called: Hittner Hirsch Kreh syndrome; CHARGE ASSOCIATION--COLOBOMA, HEART ANOMALY, CHOANAL ATRESIA, RETARDATION, GENITAL AND EAR ANOMALIES; Coloboma, heart anomaly, choanal atresia, retardation, genital and ear anomalies; CHARGE association; Hall-Hittner syndrome. Identifiers: Orphanet 138, MedGen C0265354, MONDO:0008965.

Allele frequency attached by ClinVar (database versions not stated): gnomAD 0.00004; TOPMed 0.00006; ESP Exome Variant Server 0.00008; gnomAD exomes 0.00001 and 0.00002; ExAC 0.00003.
gnomAD v4.1: 16 of 1,612,816 alleles (0.00099%); highest among the groups gnomAD compares: African/African-American, 0.012%; no homozygotes.

Submissions (2):

Labcorp Genetics (formerly Invitae), Labcorp
Classification: Likely benign for CHARGE syndrome. Last evaluated: 2018-10-04. Review status: criteria provided, single submitter. Criteria: Invitae Variant Classification Sherloc (09022015). Collection method: clinical testing. Allele origin: germline.

PreventionGenetics, part of Exact Sciences
Classification: Likely benign for SEMA3E-related condition. Last evaluated: 2022-01-26. Review status: no assertion criteria provided. Collection method: clinical testing. Allele origin: germline. Not counted in ClinVar's aggregate classification.
Comment: This variant is classified as likely benign based on ACMG/AMP sequence variant interpretation guidelines (Richards et al. 2015 PMID: 25741868, with internal and published modifications).

NM_012431.3(SEMA3E):c.213C>T (p.Phe71=)

Gene: SEMA3E (semaphorin 3E; minus strand). Cytogenetic location: 7q21.11.
Variant type: single nucleotide variant.
Coding change: c.213C>T on transcript NM_012431.3 (MANE Select); coding-DNA position 213, C replaced by T.
Protein change: p.Phe71=; no amino-acid change (phenylalanine 71 retained).
Molecular consequence: synonymous variant.
Genome position (GRCh38, 1-based): chr7:83,490,177, G>A on the plus strand (C>T on the coding strand, the complement: SEMA3E is on the minus strand). VCF-style: chr7-83490177-G-A. GRCh37 (hg19) VCF-style: chr7-83119493-G-A.
Other names: c.33C>T, p.Phe11= (NM_001178129.2).
Identifiers: ClinVar variation 751788 (VCV000751788.10), dbSNP rs146189665, ClinGen allele CA4322426.